The following is an entry in ClinVar:

NM_000465.4(BARD1):c.122T>C (p.Leu41Pro)

Gene: BARD1 (BRCA1 associated RING domain 1; minus strand). Cytogenetic location: 2q35.
Variant type: single nucleotide variant.
Coding change: c.122T>C on transcript NM_000465.4 (MANE Select); coding-DNA position 122, T replaced by C.
Protein change: p.Leu41Pro; replaces leucine 41 with proline.
Molecular consequence: missense variant. On other transcripts: non-coding transcript variant (3).
Genome position (GRCh38, 1-based): chr2:214,809,448, A>G on the plus strand (T>C on the coding strand, the complement: BARD1 is on the minus strand). VCF-style: chr2-214809448-A-G. GRCh37 (hg19) VCF-style: chr2-215674172-A-G.
Other names: c.122T>C, p.Leu41Pro (NM_001282543.2, NM_001282545.2, NM_001282548.2 and 1 more transcripts); short protein forms L41P.
Identifiers: ClinVar variation 2585704 (VCV002585704.3), dbSNP rs2106170996, ClinGen allele CA350464936.
Genomic context (GRCh38, chr2:214,809,448, plus strand): 5'-ACCCCCAAGAAGCTCCGTCTTTACCAACGCGAGCAGCGCAGCAGCTTCTCCAGGCGGTCG[A>G]GCGCGGCGCGACTGTGGGCCCAGGCACCGCGACCATCCGGTTCCATGGCGGGCGCGGAAC-3'
Protein context (NP_000456.2, residues 31-51): RGAWAHSRAA[Leu41Pro]DRLEKLLRCS

ClinVar aggregate classification (germline): Uncertain significance (1 of 4 stars; one submission).

Conditions:
Hereditary cancer-predisposing syndrome. Also called: Hereditary neoplastic syndrome; Tumor predisposition; Hereditary Cancer Syndrome; Neoplastic Syndromes, Hereditary. Identifiers: Orphanet 140162, MedGen C0027672, MeSH D009386, MONDO:0015356.

Submission:

Ambry Genetics
Classification: Uncertain significance for Hereditary cancer-predisposing syndrome. Last evaluated: 2025-10-05. Review status: criteria provided, single submitter. Criteria: Ambry Variant Classification Scheme 2023. Collection method: clinical testing. Allele origin: germline.
Comment: The p.L41P variant (also known as c.122T>C), located in coding exon 1 of the BARD1 gene, results from a T to C substitution at nucleotide position 122. The leucine at codon 41 is replaced by proline, an amino acid with similar properties. This amino acid position is conserved. In addition, the in silico prediction for this alteration is inconclusive. Since supporting evidence is limited at this time, the clinical significance of this alteration remains unclear.